The following is an entry in ClinVar:

NM_001244008.2(KIF1A):c.239A>G (p.Glu80Gly)

Gene: KIF1A (kinesin family member 1A; minus strand). Cytogenetic location: 2q37.3.
Variant type: single nucleotide variant.
Coding change: c.239A>G on transcript NM_001244008.2 (MANE Select); coding-DNA position 239, A replaced by G.
Protein change: p.Glu80Gly; replaces glutamic acid 80 with glycine.
Molecular consequence: missense variant.
Genome position (GRCh38, 1-based): chr2:240,788,175, T>C on the plus strand (A>G on the coding strand, the complement: KIF1A is on the minus strand). VCF-style: chr2-240788175-T-C. GRCh37 (hg19) VCF-style: chr2-241727592-T-C.
Other names: c.239A>G, p.Glu80Gly (NM_001320705.2, NM_001330289.2, NM_001330290.2 and 21 more transcripts); short protein forms E80G.
Identifiers: ClinVar variation 1712139 (VCV001712139.2), dbSNP rs2538438133, ClinGen allele CA351310740.
Genomic context (GRCh38, chr2:240,788,175, plus strand): 5'-CCCGTCTGCCCATAGGCGAAGATGCACACGTTGTATCCCTCAAAGGCATGCTGCAGCATC[T>C]CCTCGCCGATGTCCCGGTACACCTGCTTCTGCGACGCGTAGTTGATGTCCTCAGGCTGGA-3'
Protein context (NP_001230937.1, residues 70-90): QKQVYRDIGE[Glu80Gly]MLQHAFEGYN

ClinVar aggregate classification (germline): Uncertain significance (1 of 4 stars; one submission).

Submission:

GeneDx
Classification: Uncertain significance. Last evaluated: 2022-04-21. Review status: criteria provided, single submitter. Criteria: GeneDx Variant Classification Process June 2021. Collection method: clinical testing. Allele origin: germline. Affected: yes.
Comment: Not observed at significant frequency in large population cohorts (gnomAD); In silico analysis supports that this missense variant has a deleterious effect on protein structure/function; Has not been previously published as pathogenic or benign to our knowledge; This variant is associated with the following publications: (PMID: 26125038, 21820098, 21376300)